The following is an entry in ClinVar:

NM_001384900.1(SEMA3D):c.1904A>C (p.Glu635Ala)

Gene: SEMA3D (semaphorin 3D; minus strand). Cytogenetic location: 7q21.11.
Variant type: single nucleotide variant.
Coding change: c.1904A>C on transcript NM_001384900.1 (MANE Select); coding-DNA position 1904, A replaced by C.
Protein change: p.Glu635Ala; replaces glutamic acid 635 with alanine.
Molecular consequence: missense variant.
Genome position (GRCh38, 1-based): chr7:85,006,806, T>G on the plus strand (A>C on the coding strand, the complement: SEMA3D is on the minus strand). VCF-style: chr7-85006806-T-G. GRCh37 (hg19) VCF-style: chr7-84636122-T-G.
Other names: c.1904A>C, p.Glu635Ala (NM_001384901.1, NM_001384902.1, NM_001384903.1 and 1 more transcripts); short protein forms E635A.
Identifiers: ClinVar variation 4988579 (VCV004988579.1).

ClinVar aggregate classification (germline): Uncertain significance (1 of 4 stars; one submission).

Conditions:
SEMA3D-related disorder. Also called: SEMA3D-related condition.

gnomAD v4.1: 9 of 1,590,544 alleles (0.00057%); highest among the groups gnomAD compares: Non-Finnish European, 0.00026%; no homozygotes.

Submission:

PreventionGenetics, part of Exact Sciences
Classification: Uncertain significance for SEMA3D-related condition. Last evaluated: 2026-09-26. Review status: criteria provided, single submitter. Criteria: ACMG Guidelines, 2015. Collection method: clinical testing. Allele origin: germline.
Comment: The SEMA3D c.1904A>C variant is predicted to result in the amino acid substitution p.Glu635Ala. To our knowledge, this variant has not been reported in the literature. This variant is reported in 0.0047% of alleles in individuals of European (Finnish) descent in gnomAD. At this time, the clinical significance of this variant is uncertain due to the absence of conclusive functional and genetic evidence.